The following is an entry in ClinVar:

NM_000038.6(APC):c.423-16A>T

Gene: APC (APC regulator of Wnt signaling pathway; plus strand). Cytogenetic location: 5q22.2.
Variant type: single nucleotide variant.
Coding change: c.423-16A>T on transcript NM_000038.6 (MANE Select); 16 bases into the intron before coding-DNA position 423, A replaced by T.
Molecular consequence: intron variant.
Genome position (GRCh38, 1-based): chr5:112,775,613, A>T. VCF-style: chr5-112775613-A-T. GRCh37 (hg19) VCF-style: chr5-112111310-A-T.
Other names: c.423-16A>T (NM_001354895.2, NM_001127510.3, NM_001354896.2 and 2 more transcripts); c.453-16A>T (NM_001354897.2, NM_001354902.2, NM_001127511.3); c.348-16A>T (NM_001354898.2, NM_001354904.2); c.-613-16A>T (NM_001354906.2); c.246-16A>T (NM_001354900.2, NM_001354901.2, NM_001354905.2).
Identifiers: ClinVar variation 82911 (VCV000082911.19), dbSNP rs78919815, ClinGen allele CA009180.
Genomic context (GRCh38, chr5:112,775,613, plus strand): 5'-CTGATGTAAGTATTGCTCTTCTGCAGTCTTTATTAGCATTGTTTAAACGTACCTTTTTTT[A>T]AAAAAAAAAAAATAGGTCATTGCTTCTTGCTGATCTTGACAAAGAAGAAAAGGAAAAAGA-3'

ClinVar aggregate classification (germline): Benign/Likely benign. Review status: criteria provided, multiple submitters, no conflicts (2 of 4 stars). 9 submissions from 9 submitters: Benign (5); Likely benign (1). 3 of the submissions do not count toward it. Last evaluated 2025-07-10.

Conditions:
APC-related disorder. Also called: APC-related condition.
Hereditary cancer-predisposing syndrome. Also called: Neoplastic Syndromes, Hereditary; Tumor predisposition; Hereditary Cancer Syndrome; Hereditary neoplastic syndrome. Identifiers: Orphanet 140162, MedGen C0027672, MeSH D009386, MONDO:0015356.
Familial adenomatous polyposis 1 (FAP1). Also called: FAMILIAL ADENOMATOUS POLYPOSIS 1, ATTENUATED; POLYPOSIS, ADENOMATOUS INTESTINAL. Identifiers: MedGen C2713442, MONDO:0021056, OMIM 175100. Disease mechanism: loss of function.
Familial colorectal cancer. Identifiers: MedGen CN280943, MONDO:0023113. Disease mechanism: loss of function.

Allele frequency attached by ClinVar (database versions not stated): gnomAD 0.00101 and 0.00113; ExAC 0.01069; gnomAD exomes 0.01126; 1000 Genomes Project 0.02376.
gnomAD v4.1: 3,230 of 412,922 alleles (0.78%); highest among the groups gnomAD compares: South Asian, 2.2%; 5 homozygotes.

Submissions (9):

GeneKor MSA
Classification: Benign for Hereditary cancer-predisposing syndrome. Last evaluated: 2025-07-10. Review status: criteria provided, single submitter. Criteria: ACMG Guidelines, 2015. Collection method: clinical testing. Allele origin: germline.

Center for Genomic Medicine, Rigshospitalet, Copenhagen University Hospital
Classification: Likely benign. Last evaluated: 2025-03-04. Review status: criteria provided, single submitter. Criteria: ACMG Guidelines, 2015. Collection method: clinical testing. Allele origin: germline.

Blueprint Genetics
Classification: Benign. Last evaluated: 2024-11-06. Review status: criteria provided, single submitter. Criteria: ACMG Guidelines, 2015. Collection method: clinical testing. Allele origin: germline.

KCCC/NGS Laboratory, Kuwait Cancer Control Center
Classification: Benign for Familial adenomatous polyposis 1. Last evaluated: 2023-07-07. Review status: criteria provided, single submitter. Criteria: ACMG Guidelines, 2015. Collection method: clinical testing. Allele origin: germline. Affected: yes.

Color Diagnostics, LLC DBA Color Health
Classification: Benign for Hereditary cancer-predisposing syndrome. Last evaluated: 2016-03-18. Review status: criteria provided, single submitter. Criteria: ACMG Guidelines, 2015. Collection method: clinical testing. Allele origin: germline.

GeneDx
Classification: Benign. Last evaluated: 2014-04-04. Review status: criteria provided, single submitter. Criteria: GeneDx Variant Classification (06012015). Collection method: clinical testing. Allele origin: germline. Affected: yes.
Comment: This variant is considered likely benign or benign based on one or more of the following criteria: it is a conservative change, it occurs at a poorly conserved position in the protein, it is predicted to be benign by multiple in silico algorithms, and/or has population frequency not consistent with disease.

PreventionGenetics, part of Exact Sciences
Classification: Benign for APC-related condition. Last evaluated: 2019-05-01. Review status: no assertion criteria provided. Collection method: clinical testing. Allele origin: germline. Not counted in ClinVar's aggregate classification.
Comment: This variant is classified as benign based on ACMG/AMP sequence variant interpretation guidelines (Richards et al. 2015 PMID: 25741868, with internal and published modifications).

Mayo Clinic Laboratories, Mayo Clinic
Classification: Benign. Review status: no assertion criteria provided. Collection method: clinical testing. Allele origin: unknown. Not counted in ClinVar's aggregate classification.

Systems Biology Platform Zhejiang California International NanoSystems Institute
Classification: other for Familial colorectal cancer. Review status: no assertion criteria provided. Collection method: not provided. Allele origin: unknown. Not counted in ClinVar's aggregate classification.
ClinVar note: Converted during submission from cancer to other.